The following is an entry in ClinVar:

ClinVar aggregate classification (germline): Uncertain significance (1 of 4 stars; one submission).

Allele frequency attached by ClinVar (database versions not stated): gnomAD exomes below 0.00001; TOPMed below 0.00001.
gnomAD v4.1: 5 of 1,614,136 alleles (0.00031%); highest among the groups gnomAD compares: East Asian, 0.0045%; no homozygotes.

Submission:

Labcorp Genetics (formerly Invitae), Labcorp
Classification: Uncertain significance. Last evaluated: 2021-04-22. Review status: criteria provided, single submitter. Criteria: Invitae Variant Classification Sherloc (09022015). Collection method: clinical testing. Allele origin: germline.
Comment: This sequence change replaces glutamic acid with glutamine at codon 1850 of the SPEG protein (p.Glu1850Gln). The glutamic acid residue is highly conserved and there is a small physicochemical difference between glutamic acid and glutamine. This variant is not present in population databases (ExAC no frequency). This variant has not been reported in the literature in individuals with SPEG-related conditions. Algorithms developed to predict the effect of missense changes on protein structure and function are either unavailable or do not agree on the potential impact of this missense change (SIFT: "Tolerated"; PolyPhen-2: "Possibly Damaging"; Align-GVGD: "Class C0"). In summary, the available evidence is currently insufficient to determine the role of this variant in disease. Therefore, it has been classified as a Variant of Uncertain Significance.

NM_005876.5(SPEG):c.5548G>C (p.Glu1850Gln)

Gene: SPEG (striated muscle enriched protein kinase; plus strand). Cytogenetic location: 2q35.
Variant type: single nucleotide variant.
Coding change: c.5548G>C on transcript NM_005876.5 (MANE Select); coding-DNA position 5548, G replaced by C.
Protein change: p.Glu1850Gln; replaces glutamic acid 1850 with glutamine.
Molecular consequence: missense variant.
Genome position (GRCh38, 1-based): chr2:219,481,663, G>C. VCF-style: chr2-219481663-G-C. GRCh37 (hg19) VCF-style: chr2-220346385-G-C.
Other names: short protein forms E1850Q.
Identifiers: ClinVar variation 1517210 (VCV001517210.7), dbSNP rs377029891, ClinGen allele CA65988439.